The following is an entry in ClinVar:

ClinVar aggregate classification (germline): Uncertain significance (1 of 4 stars; one submission).

Allele frequency attached by ClinVar (database versions not stated): gnomAD exomes below 0.00001; TOPMed 0.00001.

Submission:

Greenwood Genetic Center Diagnostic Laboratories, Greenwood Genetic Center
Classification: Uncertain significance. Last evaluated: 2023-04-05. Review status: criteria provided, single submitter. Criteria: ACMG Guidelines, 2015. Collection method: clinical testing. Allele origin: germline. Affected: yes.
Comment: PM2

NM_006494.4(ERF):c.1318G>A (p.Val440Met)

Gene: ERF (ETS2 repressor factor; minus strand). Cytogenetic location: 19q13.2.
Variant type: single nucleotide variant.
Coding change: c.1318G>A on transcript NM_006494.4 (MANE Select); coding-DNA position 1318, G replaced by A.
Protein change: p.Val440Met; replaces valine 440 with methionine.
Molecular consequence: missense variant.
Genome position (GRCh38, 1-based): chr19:42,248,794, C>T on the plus strand (G>A on the coding strand, the complement: ERF is on the minus strand). VCF-style: chr19-42248794-C-T. GRCh37 (hg19) VCF-style: chr19-42752946-C-T.
Other names: c.1093G>A, p.Val365Met (NM_001301035.2, NM_001308402.2, NM_001312656.2); short protein forms V365M, V440M.
Identifiers: ClinVar variation 2572212 (VCV002572212.1), dbSNP rs2036380377, ClinGen allele CA406105928.
Genomic context (GRCh38, chr19:42,248,794, plus strand): 5'-GGGCACGGGGCGTCTTGAACACCTCCCCGTCTTCCTCATCCTCATCACTGATGTCAGTCA[C>T]CTCTACCTCCTCCGACTCGCCTTCCGAGATGGGCTCCACCTTGATCTGTGGTGGCGGGGG-3'
Protein context (NP_006485.2, residues 430-450): ISEGESEEVE[Val440Met]TDISDEDEED